The following is an entry in ClinVar:

NM_019892.6(INPP5E):c.748del (p.Leu250fs)

Gene: INPP5E (inositol polyphosphate-5-phosphatase E; minus strand). Cytogenetic location: 9q34.3.
Variant type: Deletion.
Coding change: c.748del on transcript NM_019892.6 (MANE Select); coding-DNA position 748, one base deleted (C; older notation c.748delC).
Protein change: p.Leu250fs; shifts the reading frame from leucine 250.
Molecular consequence: frameshift variant.
Genome position (GRCh38, 1-based): chr9:136,438,672, G deleted on the plus strand (C on the coding strand, the reverse complement: INPP5E is on the minus strand); the first of 3 consecutive G bases (chr9:136,438,672-136,438,674); deleting any one gives the same sequence. VCF-style (leftmost placement, unchanged base first): chr9-136438671-AG-A. GRCh37 (hg19) VCF-style: chr9-139333123-AG-A.
Other names: c.748del, p.Leu250fs (NM_001318502.2); c.748delC (NM_019892.5); short protein forms L250fs.
Identifiers: ClinVar variation 972038 (VCV000972038.2), dbSNP rs1346748926, ClinGen allele CA591366709.

ClinVar aggregate classification (germline): Pathogenic. Review status: criteria provided, single submitter (1 of 4 stars). 2 submissions from 2 submitters: Pathogenic (1). 1 of the submissions does not count toward it. Last evaluated 2019-11-11.

Conditions:
INPP5E-related disorder. Also called: INPP5E-related condition.
Joubert syndrome. Also called: Familial aplasia of the vermis; CEREBELLOPARENCHYMAL DISORDER IV; JOUBERT-BOLTSHAUSER SYNDROME. Identifiers: Orphanet 475, MedGen C5979921, MONDO:0018772.

Submissions (2):

Labcorp Genetics (formerly Invitae), Labcorp
Classification: Pathogenic for Joubert syndrome. Last evaluated: 2019-11-11. Review status: criteria provided, single submitter. Criteria: Invitae Variant Classification Sherloc (09022015). Collection method: clinical testing. Allele origin: germline.
Comment: This sequence change creates a premature translational stop signal (p.Leu250Phefs*144) in the INPP5E gene. It is expected to result in an absent or disrupted protein product. This variant is not present in population databases (ExAC no frequency). This variant has not been reported in the literature in individuals with INPP5E-related conditions. Loss-of-function variants in INPP5E are known to be pathogenic (PMID: 19668216, 23386033). For these reasons, this variant has been classified as Pathogenic.

PreventionGenetics, part of Exact Sciences
Classification: Pathogenic for INPP5E-related condition. Last evaluated: 2024-06-25. Review status: no assertion criteria provided. Collection method: clinical testing. Allele origin: germline. Not counted in ClinVar's aggregate classification.
Comment: The INPP5E c.748delC variant is predicted to result in a frameshift and premature protein termination (p.Leu250Phefs*144). This variant has been reported in a study of worldwide carrier frequency and genetic prevalence of autosomal recessive inherited retinal diseases (Table S3, Hanany et al. 2020. PubMed ID: 31964843). This variant is reported in 0.0036% of alleles in individuals of South Asian descent in gnomAD. Frameshift variants in INPP5E are expected to be pathogenic. This variant is interpreted as pathogenic.